The following is an entry in ClinVar:

ClinVar aggregate classification (germline): Uncertain significance. Review status: criteria provided, multiple submitters, no conflicts (2 of 4 stars). 5 submissions from 5 submitters: Uncertain significance (5). Last evaluated 2026-05-09.

Conditions:
BBS4-related disorder. Also called: BBS4-related condition.
Bardet-Biedl syndrome (BBS). Identifiers: Orphanet 110, MedGen C0752166, MONDO:0015229.
Bardet-Biedl syndrome 4 (BBS4). Identifiers: Orphanet 110, MedGen C2936864, MONDO:0014433, OMIM 615982.

Submissions (5):

PreventionGenetics, part of Exact Sciences
Classification: Uncertain significance for BBS4-related condition. Last evaluated: 2026-05-09. Review status: criteria provided, single submitter. Criteria: ACMG Guidelines, 2015. Collection method: clinical testing. Allele origin: germline.
Comment: The BBS4 c.1167_1169delGAA variant is predicted to result in an in-frame deletion (p.Lys389del). To our knowledge, this variant has not been reported in the literature. This variant is reported in 0.016% of alleles in individuals of South Asian descent in gnomAD. At this time, the clinical significance of this variant is uncertain due to the absence of conclusive functional and genetic evidence.

Blueprint Genetics
Classification: Uncertain significance. Last evaluated: 2024-10-07. Review status: criteria provided, single submitter. Criteria: ACMG Guidelines, 2015. Collection method: clinical testing. Allele origin: germline.

Labcorp Genetics (formerly Invitae), Labcorp
Classification: Uncertain significance for Bardet-Biedl syndrome. Last evaluated: 2022-06-14. Review status: criteria provided, single submitter. Criteria: Invitae Variant Classification Sherloc (09022015). Collection method: clinical testing. Allele origin: germline.
Comment: This variant, c.1167_1169del, results in the deletion of 1 amino acid(s) of the BBS4 protein (p.Lys389del), but otherwise preserves the integrity of the reading frame. This variant is present in population databases (rs759315856, gnomAD 0.02%). This variant has not been reported in the literature in individuals affected with BBS4-related conditions. ClinVar contains an entry for this variant (Variation ID: 961935). Experimental studies and prediction algorithms are not available or were not evaluated, and the functional significance of this variant is currently unknown. In summary, the available evidence is currently insufficient to determine the role of this variant in disease. Therefore, it has been classified as a Variant of Uncertain Significance.

Fulgent Genetics
Classification: Uncertain significance for Bardet-Biedl syndrome 4. Last evaluated: 2022-02-11. Review status: criteria provided, single submitter. Criteria: ACMG Guidelines, 2015. Collection method: clinical testing. Allele origin: unknown.

GeneDx
Classification: Uncertain significance. Last evaluated: 2020-02-03. Review status: criteria provided, single submitter. Criteria: GeneDx Variant Classification Process June 2021. Collection method: clinical testing. Allele origin: germline. Affected: yes.
Comment: In-frame deletion of 1 amino acids in a non-repeat region; In silico analysis supports a deleterious effect on protein structure/function; Has not been previously published as pathogenic or benign to our knowledge

NM_033028.5(BBS4):c.1161GAA[2] (p.Lys389del)

Gene: BBS4 (Bardet-Biedl syndrome 4; plus strand). Cytogenetic location: 15q24.1.
Variant type: Microsatellite.
Coding change: c.1161GAA[2] on transcript NM_033028.5 (MANE Select); two copies in a row of the 3-base unit GAA starting at c.1161; the reference has three copies in a row; one copy, 3 bases deleted; also written c.1167_1169del.
Protein change: p.Lys389del; deletes lysine 389.
Molecular consequence: inframe deletion. On other transcripts: non-coding transcript variant (2).
Genome position (GRCh38, 1-based): chr15:72,735,885-72,735,887, GAA deleted; deleting any 3 consecutive bases within chr15:72,735,878-72,735,887 gives the same sequence; the position shown is the placement nearest the transcript's 3' end. VCF-style (leftmost placement, unchanged base first): chr15-72735877-GAGA-G. GRCh37 (hg19) VCF-style: chr15-73028218-GAGA-G.
Other names: c.1167_1169delGAA (NM_033028.4); c.645GAA[2], p.Lys217del (NM_001252678.2); c.1092GAA[2], p.Lys366del (NM_001320665.2); c.1167_1169del (NM_033028.5); short protein forms K217del, K389del, K366del.
Identifiers: ClinVar variation 961935 (VCV000961935.12), dbSNP rs759315856, ClinGen allele CA7646930.